The following is an entry in ClinVar:

ClinVar aggregate classification (germline): Uncertain significance (1 of 4 stars; one submission).

Submission:

Women's Health and Genetics/Laboratory Corporation of America, LabCorp
Classification: Uncertain significance. Last evaluated: 2024-10-17. Review status: criteria provided, single submitter. Criteria: LabCorp Variant Classification Summary - May 2015. Collection method: clinical testing. Allele origin: germline.
Comment: Variant summary: SPTBN1 c.3768_3773delACATAG (p.His1257_Arg1258del) results in an in-frame deletion that is predicted to remove 2 amino acids from the encoded protein. Several computational tools predict a significant impact on normal splicing: Three predict the variant abolishes the canonical 3' acceptor site. Four predict the variant creates a cryptic 3' acceptor site. However, these predictions have yet to be confirmed by functional studies. The variant allele was found at a frequency of 4e-06 in 250388 control chromosomes. The available data on variant occurrences in the general population are insufficient to allow any conclusion about variant significance. To our knowledge, no occurrence of c.3768_3773delACATAG in individuals affected with Developmental Delay, Impaired Speech, And Behavioral Abnormalities and no experimental evidence demonstrating its impact on protein function have been reported. No submitters have cited clinical-significance assessments for this variant to ClinVar. Based on the evidence outlined above, the variant was classified as uncertain significance.

NM_003128.3(SPTBN1):c.3768_3773delACATAG

Gene: SPTBN1 (spectrin beta, non-erythrocytic 1; plus strand). Cytogenetic location: 2p16.2.
Variant type: Deletion.
Coding change: c.3768_3773delACATAG on transcript NM_003128.3 (MANE Select); coding-DNA positions 3768 to 3773, 6 bases deleted (ACATAG).
Molecular consequence: splice acceptor variant.
Genome position (GRCh38, 1-based): chr2:54,637,713-54,637,718, ACATAG deleted; deleting any 6 consecutive bases within chr2:54,637,709-54,637,718 gives the same sequence; the c. name uses the placement nearest the transcript's 3' end. VCF-style (leftmost placement, unchanged base first): chr2-54637708-AATAGAC-A. GRCh37 (hg19) VCF-style: chr2-54864845-AATAGAC-A.
Identifiers: ClinVar variation 3385219 (VCV003385219.1).
Genomic context (GRCh38, chr2:54,637,708, plus strand): 5'-GTATTCTGTATTTCAAGATTCTCTACTTCCTTTTTTAAAAATTATTTTTGTTACCATTCT[AATAGAC>A]ATAGGAAGAATCGTGAGACAGCCAGTGAACTTTTGATGAGGTTGAAGGACAACAGGGATC-3'